The following is an entry in ClinVar:

NM_016148.5(SHANK1):c.3622C>T (p.Pro1208Ser)

Gene: SHANK1 (SH3 and multiple ankyrin repeat domains 1; minus strand). Cytogenetic location: 19q13.33.
Variant type: single nucleotide variant.
Coding change: c.3622C>T on transcript NM_016148.5 (MANE Select); coding-DNA position 3622, C replaced by T.
Protein change: p.Pro1208Ser; replaces proline 1208 with serine.
Molecular consequence: missense variant.
Genome position (GRCh38, 1-based): chr19:50,668,338, G>A on the plus strand (C>T on the coding strand, the complement: SHANK1 is on the minus strand). VCF-style: chr19-50668338-G-A. GRCh37 (hg19) VCF-style: chr19-51171595-G-A.
Other names: short protein forms P1208S.
Identifiers: ClinVar variation 3378200 (VCV003378200.1).

ClinVar aggregate classification (germline): Uncertain significance (1 of 4 stars; one submission).

gnomAD v4.1: 8 of 1,259,728 alleles (0.00064%); highest among the groups gnomAD compares: African/African-American, 0.0016%; no homozygotes.

Submission:

GeneDx
Classification: Uncertain significance. Last evaluated: 2024-05-12. Review status: criteria provided, single submitter. Criteria: GeneDx Variant Classification Process June 2021. Collection method: clinical testing. Allele origin: germline. Affected: yes.
Comment: Not observed at significant frequency in large population cohorts (gnomAD); In silico analysis indicates that this missense variant does not alter protein structure/function; Has not been previously published as pathogenic or benign to our knowledge